The following is an entry in ClinVar:

ClinVar aggregate classification (germline): Likely pathogenic (1 of 4 stars; one submission).

Conditions:
COL2A1-related disorder. Also called: COL2A1-related condition; COL2A1-related disorders.

Submission:

PreventionGenetics, part of Exact Sciences
Classification: Likely pathogenic for COL2A1-related condition. Last evaluated: 2025-05-15. Review status: criteria provided, single submitter. Criteria: ACMG Guidelines, 2015. Collection method: clinical testing. Allele origin: germline.
Comment: The COL2A1 c.532-2A>T variant is predicted to disrupt the AG splice acceptor site and interfere with normal splicing. To our knowledge, this variant has not been reported in the literature or in a large population database (gnomAD), indicating this variant is rare. Variants that disrupt the consensus splice acceptor site in COL2A1 are expected to be pathogenic. This variant is interpreted as likely pathogenic.

NM_001844.5(COL2A1):c.532-2A>T

Gene: COL2A1 (collagen type II alpha 1 chain; minus strand). Cytogenetic location: 12q13.11.
Variant type: single nucleotide variant.
Coding change: c.532-2A>T on transcript NM_001844.5 (MANE Select); the canonical splice acceptor site of the intron before coding-DNA position 532, A replaced by T.
Molecular consequence: splice acceptor variant.
Genome position (GRCh38, 1-based): chr12:47,996,627, T>A on the plus strand (A>T on the coding strand, the complement: COL2A1 is on the minus strand). VCF-style: chr12-47996627-T-A. GRCh37 (hg19) VCF-style: chr12-48390410-T-A.
Other names: c.325-2A>T (NM_033150.3).
Identifiers: ClinVar variation 4999848 (VCV004999848.1).